The following is an entry in ClinVar:

ClinVar aggregate classification (germline): Uncertain significance (1 of 4 stars; one submission).

Submission:

Women's Health and Genetics/Laboratory Corporation of America, LabCorp
Classification: Uncertain significance. Last evaluated: 2025-12-28. Review status: criteria provided, single submitter. Criteria: LabCorp Variant Classification Summary - May 2015. Collection method: clinical testing. Allele origin: germline.
Comment: Variant summary: TUBGCP6 c.4318G>A (p.Glu1440Lys) results in a conservative amino acid change in the encoded protein sequence. Algorithms developed to predict the effect of missense changes on protein structure and function are either unavailable or do not agree on the potential impact of this missense change. Consensus agreement among computation tools predict no significant impact on normal splicing. However, these predictions have yet to be confirmed by functional studies. The variant allele was found at a frequency of 1.6e-05 in 186834 control chromosomes. The available data on variant occurrences in the general population are insufficient to allow any conclusion about variant significance. To our knowledge, no occurrence of c.4318G>A in individuals affected with TUBGCP6-related conditions and no experimental evidence demonstrating its impact on protein function have been reported. No submitters have cited clinical-significance assessments for this variant to ClinVar. Based on the evidence outlined above, the variant was classified as uncertain significance.

NM_020461.4(TUBGCP6):c.4318G>A (p.Glu1440Lys)

Gene: TUBGCP6 (tubulin gamma complex component 6; minus strand). Cytogenetic location: 22q13.33.
Variant type: single nucleotide variant.
Coding change: c.4318G>A on transcript NM_020461.4 (MANE Select); coding-DNA position 4318, G replaced by A.
Protein change: p.Glu1440Lys; replaces glutamic acid 1440 with lysine.
Molecular consequence: missense variant.
Genome position (GRCh38, 1-based): chr22:50,219,454, C>T on the plus strand (G>A on the coding strand, the complement: TUBGCP6 is on the minus strand). VCF-style: chr22-50219454-C-T. GRCh37 (hg19) VCF-style: chr22-50657883-C-T.
Other names: short protein forms E1440K.
Identifiers: ClinVar variation 4688764 (VCV004688764.1).
Genomic context (GRCh38, chr22:50,219,454, plus strand): 5'-CCACGGGGAAGGCGAAGGCCCGGGGAAGCACGGGGCGCAAAAGATGAGCAATGGGCGGCT[C>T]GGCTGCGGGAGATGGAGCACGCACGTGCTGGGAACCGGCCAGCCCAGGGCTCCGCCCCCA-3'
Protein context (NP_065194.3, residues 1430-1450): RYPDSYESMS[Glu1440Lys]PPIAHLLRPV